The following is an entry in ClinVar:

NM_001182.5(ALDH7A1):c.664A>G (p.Thr222Ala)

Gene: ALDH7A1 (aldehyde dehydrogenase 7 family member A1; minus strand). Cytogenetic location: 5q23.2.
Variant type: single nucleotide variant.
Coding change: c.664A>G on transcript NM_001182.5 (MANE Select); coding-DNA position 664, A replaced by G.
Protein change: p.Thr222Ala; replaces threonine 222 with alanine.
Molecular consequence: missense variant.
Genome position (GRCh38, 1-based): chr5:126,575,451, T>C on the plus strand (A>G on the coding strand, the complement: ALDH7A1 is on the minus strand). VCF-style: chr5-126575451-T-C. GRCh37 (hg19) VCF-style: chr5-125911143-T-C.
Other names: p.T222A:ACC>GCC; c.580A>G, p.Thr194Ala (NM_001201377.2); c.664A>G, p.Thr222Ala (NM_001202404.2); short protein forms T222A, T194A.
Identifiers: ClinVar variation 204833 (VCV000204833.26), dbSNP rs777829351, ClinGen allele CA313173.

ClinVar aggregate classification (germline): Conflicting classifications of pathogenicity. Review status: criteria provided, conflicting classifications (1 of 4 stars). 8 submissions from 8 submitters: Pathogenic (5); Likely pathogenic (1); Uncertain significance (2). Last evaluated 2025-06-29.

Conditions:
ALDH7A1-related disorder. Also called: ALDH7A1-related condition.
Inborn genetic diseases. Identifiers: MedGen C0950123, MeSH D030342.
Pyridoxine-dependent epilepsy (EPEO4). Also called: Pyridoxine-Dependent Seizures; EPILEPSY, EARLY-ONSET, 4, VITAMIN B6-DEPENDENT; Pyridoxine-Dependent Epilepsy - ALDH7A1; PYRIDOXINE DEPENDENCY WITH SEIZURES. Identifiers: Orphanet 3006, MedGen C1849508, MONDO:0009945, OMIM 266100. Disease mechanism: loss of function.

Allele frequency attached by ClinVar (database versions not stated): gnomAD 0.00003; gnomAD exomes 0.00003 and 0.00002; TOPMed 0.00002; ExAC 0.00003.
gnomAD v4.1: 46 of 1,612,886 alleles (0.0029%); highest among the groups gnomAD compares: Admixed American, 0.005%; no homozygotes.

Submissions (8):

Labcorp Genetics (formerly Invitae), Labcorp
Classification: Pathogenic for Pyridoxine-dependent epilepsy. Last evaluated: 2025-06-29. Review status: criteria provided, single submitter. Criteria: Invitae Variant Classification Sherloc (09022015). Collection method: clinical testing. Allele origin: germline.
Comment: This sequence change replaces threonine, which is neutral and polar, with alanine, which is neutral and non-polar, at codon 222 of the ALDH7A1 protein (p.Thr222Ala). This variant is present in population databases (rs777829351, gnomAD 0.006%). This missense change has been observed in individual(s) with pyridoxine-dependent epilepsy (PMID: 29286531, 30043187; internal data). ClinVar contains an entry for this variant (Variation ID: 204833). Invitae Evidence Modeling of protein sequence and biophysical properties (such as structural, functional, and spatial information, amino acid conservation, physicochemical variation, residue mobility, and thermodynamic stability) indicates that this missense variant is expected to disrupt ALDH7A1 protein function with a positive predictive value of 80%. For these reasons, this variant has been classified as Pathogenic.

GeneDx
Classification: Pathogenic. Last evaluated: 2025-01-30. Review status: criteria provided, single submitter. Criteria: GeneDx Variant Classification Process June 2021. Collection method: clinical testing. Allele origin: germline. Affected: yes.
Comment: In silico analysis supports that this missense variant has a deleterious effect on protein structure/function; Not observed at significant frequency in large population cohorts (gnomAD); This variant is associated with the following publications: (PMID: 32956737, 30043187, 29286531)

Blueprint Genetics
Classification: Pathogenic for ALDH7A1-related disorders. Last evaluated: 2024-11-22. Review status: criteria provided, single submitter. Criteria: ACMG Guidelines, 2015. Collection method: clinical testing. Allele origin: germline. Affected: yes. Observed: 4 variant alleles.

Fulgent Genetics
Classification: Pathogenic for Pyridoxine-dependent epilepsy. Last evaluated: 2024-06-17. Review status: criteria provided, single submitter. Criteria: ACMG Guidelines, 2015. Collection method: clinical testing. Allele origin: germline.

Women's Health and Genetics/Laboratory Corporation of America, LabCorp
Classification: Pathogenic for Pyridoxine-dependent epilepsy. Last evaluated: 2023-02-19. Review status: criteria provided, single submitter. Criteria: LabCorp Variant Classification Summary - May 2015. Collection method: clinical testing. Allele origin: germline.
Comment: Variant summary: ALDH7A1 c.664A>G (p.Thr222Ala) results in a non-conservative amino acid change located in the Aldehyde dehydrogenase domain (IPR015590) of the encoded protein sequence. Three of five in-silico tools predict a benign effect of the variant on protein function. The variant allele was found at a frequency of 2e-05 in 249894 control chromosomes (gnomAD). c.664A>G has been reported in the literature as a biallelic genotype in multiple individuals affected with Pyridoxine-Dependent Epilepsy (e.g. Tumiene_2018, Coughlin_2019). These data indicate that the variant is very likely to be associated with disease. To our knowledge, no experimental evidence demonstrating an impact on protein function has been reported. Five ClinVar submitters have assessed the variant since 2014: two classified the variant as uncertain significance, one as likely pathogenic, and two as pathogenic. Based on the evidence outlined above, the variant was classified as pathogenic.

Illumina Laboratory Services, Illumina
Classification: Uncertain significance for Pyridoxine-dependent epilepsy. Last evaluated: 2018-01-12. Review status: criteria provided, single submitter. Criteria: ICSL Variant Classification Criteria 13 December 2019. Collection method: clinical testing. Allele origin: germline.

Ambry Genetics
Classification: Uncertain significance for Inborn genetic diseases. Last evaluated: 2017-09-25. Review status: criteria provided, single submitter. Criteria: Ambry Variant Classification Scheme 2023. Collection method: clinical testing. Allele origin: germline.
Comment: The p.T222A variant (also known as c.664A>G), located in coding exon 7 of the ALDH7A1 gene, results from an A to G substitution at nucleotide position 664. The threonine at codon 222 is replaced by alanine, an amino acid with similar properties. This amino acid position is highly conserved in available vertebrate species. In addition, the in silico prediction for this alteration is inconclusive. Since supporting evidence is limited at this time, the clinical significance of this alteration remains unclear.

Centre for Mendelian Genomics, University Medical Centre Ljubljana
Classification: Likely pathogenic for Pyridoxine-dependent epilepsy. Last evaluated: 2016-01-01. Review status: criteria provided, single submitter. Criteria: ACMG Guidelines, 2015. Collection method: clinical testing. Allele origin: unknown. Affected: yes.
Comment: This variant was classified as: Likely pathogenic. This variant was detected in homozygous state.

Literature cited by the submitters: PubMed 29286531 (cited by Labcorp Genetics (formerly Invitae), Labcorp and Women's Health and Genetics/Laboratory Corporation of America, LabCorp); PubMed 30043187 (cited by Labcorp Genetics (formerly Invitae), Labcorp and Women's Health and Genetics/Laboratory Corporation of America, LabCorp).